The following is an entry in ClinVar:

ClinVar aggregate classification (germline): Uncertain significance. Review status: criteria provided, multiple submitters, no conflicts (2 of 4 stars). 3 submissions from 3 submitters: Uncertain significance (3). Last evaluated 2022-07-26.

Conditions:
Ataxia, early-onset, with oculomotor apraxia and hypoalbuminemia (EAOH). Also called: ATAXIA-OCULOMOTOR APRAXIA SYNDROME; ATAXIA-TELANGIECTASIA-LIKE SYNDROME; Ataxia-oculomotor apraxia type 1. Identifiers: Orphanet 1168, MedGen C1859598, MONDO:0008842, OMIM 208920.
Inborn genetic diseases. Identifiers: MedGen C0950123, MeSH D030342.

Allele frequency attached by ClinVar (database versions not stated): gnomAD 0.00001; ExAC 0.00002; gnomAD exomes 0.00002.

Submissions (3):

Ambry Genetics
Classification: Uncertain significance for Inborn genetic diseases. Last evaluated: 2022-07-26. Review status: criteria provided, single submitter. Criteria: Ambry Variant Classification Scheme 2023. Collection method: clinical testing. Allele origin: germline.

Labcorp Genetics (formerly Invitae), Labcorp
Classification: Uncertain significance. Last evaluated: 2021-09-27. Review status: criteria provided, single submitter. Criteria: Invitae Variant Classification Sherloc (09022015). Collection method: clinical testing. Allele origin: germline.
Comment: In summary, the available evidence is currently insufficient to determine the role of this variant in disease. Therefore, it has been classified as a Variant of Uncertain Significance. Algorithms developed to predict the effect of missense changes on protein structure and function (SIFT, PolyPhen-2, Align-GVGD) all suggest that this variant is likely to be tolerated. ClinVar contains an entry for this variant (Variation ID: 913546). This variant has not been reported in the literature in individuals affected with APTX-related conditions. This variant is present in population databases (rs750945018, ExAC 0.003%). This sequence change replaces histidine with tyrosine at codon 166 of the APTX protein (p.His166Tyr). The histidine residue is highly conserved and there is a moderate physicochemical difference between histidine and tyrosine.

Illumina Laboratory Services, Illumina
Classification: Uncertain significance for Ataxia, early-onset, with oculomotor apraxia and hypoalbuminemia. Last evaluated: 2018-01-12. Review status: criteria provided, single submitter. Criteria: ICSL Variant Classification Criteria 13 December 2019. Collection method: clinical testing. Allele origin: germline.

NM_001195248.2(APTX):c.496C>T (p.His166Tyr)

Gene: APTX (aprataxin; minus strand). Cytogenetic location: 9p21.1.
Variant type: single nucleotide variant.
Coding change: c.496C>T on transcript NM_001195248.2 (MANE Select); coding-DNA position 496, C replaced by T.
Protein change: p.His166Tyr; replaces histidine 166 with tyrosine.
Molecular consequence: missense variant. On other transcripts: non-coding transcript variant (13).
Genome position (GRCh38, 1-based): chr9:32,986,018, G>A on the plus strand (C>T on the coding strand, the complement: APTX is on the minus strand). VCF-style: chr9-32986018-G-A. GRCh37 (hg19) VCF-style: chr9-32986016-G-A.
Other names: c.496C>T, p.His166Tyr (NM_001195249.2, NM_001195251.2, NM_001368995.1 and 6 more transcripts); c.334C>T, p.His112Tyr (NM_001195250.2, NM_001195254.2, NM_001369000.1 and 1 more transcripts); c.280C>T, p.His94Tyr (NM_001195252.2); c.232C>T, p.His78Tyr (NM_001369002.1, NM_001369003.1, NM_001369004.1 and 5 more transcripts); short protein forms H166Y, H94Y, H78Y, H112Y.
Identifiers: ClinVar variation 913546 (VCV000913546.10), dbSNP rs750945018, ClinGen allele CA5022392.